The following is an entry in ClinVar:

NM_030665.4(RAI1):c.129G>A (p.Gln43=)

Gene: RAI1 (retinoic acid induced 1; plus strand). Cytogenetic location: 17p11.2.
Variant type: single nucleotide variant.
Coding change: c.129G>A on transcript NM_030665.4 (MANE Select); coding-DNA position 129, G replaced by A.
Protein change: p.Gln43=; no amino-acid change (glutamine 43 retained).
Molecular consequence: synonymous variant.
Genome position (GRCh38, 1-based): chr17:17,793,077, G>A. VCF-style: chr17-17793077-G-A. GRCh37 (hg19) VCF-style: chr17-17696391-G-A.
Other names: c.129G>A (NM_030665.3).
Identifiers: ClinVar variation 1582346 (VCV001582346.10), dbSNP rs373365549, ClinGen allele CA8418051.

ClinVar aggregate classification (germline): Likely benign. Review status: criteria provided, multiple submitters, no conflicts (2 of 4 stars). 2 submissions from 2 submitters: Likely benign (2). Last evaluated 2024-10-23.

Conditions:
RAI1-related disorder. Also called: RAI1-related condition.

Allele frequency attached by ClinVar (database versions not stated): ExAC 0.00001; gnomAD 0.00001; TOPMed 0.00001; gnomAD exomes 0.00002; ESP Exome Variant Server 0.00008.
gnomAD v4.1: 26 of 1,613,500 alleles (0.0016%); highest among the groups gnomAD compares: Non-Finnish European, 0.0021%; no homozygotes.

Submissions (2):

PreventionGenetics, part of Exact Sciences
Classification: Likely benign for RAI1-related condition. Last evaluated: 2024-10-23. Review status: criteria provided, single submitter. Criteria: ACMG Guidelines, 2015. Collection method: clinical testing. Allele origin: germline.
Comment: This variant is classified as likely benign based on ACMG/AMP sequence variant interpretation guidelines (Richards et al. 2015 PMID: 25741868, with internal and published modifications).

Labcorp Genetics (formerly Invitae), Labcorp
Classification: Likely benign. Last evaluated: 2023-09-03. Review status: criteria provided, single submitter. Criteria: Invitae Variant Classification Sherloc (09022015). Collection method: clinical testing. Allele origin: germline.